The following is an entry in ClinVar:

NM_004006.3(DMD):c.1993-1G>A

Gene: DMD (dystrophin; minus strand). Cytogenetic location: Xp21.1.
Variant type: single nucleotide variant.
Coding change: c.1993-1G>A on transcript NM_004006.3 (MANE Select); the canonical splice acceptor site of the intron before coding-DNA position 1993, G replaced by A.
Molecular consequence: splice acceptor variant.
Genome position (GRCh38, 1-based): chrX:32,545,335, C>T on the plus strand (G>A on the coding strand, the complement: DMD is on the minus strand). VCF-style: chrX-32545335-C-T. GRCh37 (hg19) VCF-style: chrX-32563452-C-T.
Other names: c.1993-1G>A (NM_004006.2); c.1969-1G>A (NM_000109.4); c.1981-1G>A (NM_004009.3); c.1624-1G>A (NM_004010.3).
Identifiers: ClinVar variation 2823209 (VCV002823209.4), dbSNP rs2526095691, ClinGen allele CA412668720.

ClinVar aggregate classification (germline): Likely pathogenic. Review status: criteria provided, multiple submitters, no conflicts (2 of 4 stars). 2 submissions from 2 submitters: Likely pathogenic (2). Last evaluated 2025-08-31.

Conditions:
Duchenne muscular dystrophy (DMD). Also called: MUSCULAR DYSTROPHY, PSEUDOHYPERTROPHIC PROGRESSIVE, DUCHENNE TYPE; Duchenne Muscular Dystrophy (DMD). Identifiers: Orphanet 98896, MedGen C0013264, MONDO:0010679, OMIM 310200.
Becker muscular dystrophy, Cardiomyopathy, Duchenne muscular dystrophy, Dystrophin deficiency.

Submissions (2):

Natera, Inc.
Classification: Likely pathogenic for Becker muscular dystrophy, Cardiomyopathy, Duchenne muscular dystrophy, Dystrophin deficiency. Last evaluated: 2025-08-31. Review status: criteria provided, single submitter. Criteria: Natera Variant Classification Schema (03/2026). Collection method: clinical testing. Allele origin: germline.
Comment: The c.1993-1G>A variant in DMD is a canonical splice acceptor site variant predicted to affect pre-mRNA splicing, which may result in an abnormal transcript and altered protein product. This variant is expected to result in nonsense mediated decay, truncation, or a dysfunctional protein product. This variant is rare in the general population with a frequency below the threshold expected for the associated phenotype(s). Given the available evidence, this variant is classified as Likely Pathogenic.

Labcorp Genetics (formerly Invitae), Labcorp
Classification: Likely pathogenic for Duchenne muscular dystrophy. Last evaluated: 2022-12-22. Review status: criteria provided, single submitter. Criteria: Invitae Variant Classification Sherloc (09022015). Collection method: clinical testing. Allele origin: germline.
Comment: This sequence change affects an acceptor splice site in intron 16 of the DMD gene. It is expected to disrupt RNA splicing. Variants that disrupt the donor or acceptor splice site typically lead to a loss of protein function (PMID: 16199547), and loss-of-function variants in DMD are known to be pathogenic (PMID: 16770791, 25007885). This variant is not present in population databases (gnomAD no frequency). In summary, the currently available evidence indicates that the variant is pathogenic, but additional data are needed to prove that conclusively. Therefore, this variant has been classified as Likely Pathogenic. Algorithms developed to predict the effect of sequence changes on RNA splicing suggest that this variant may disrupt the consensus splice site. This variant has not been reported in the literature in individuals affected with DMD-related conditions.

Literature cited by the submitters: PubMed 16199547 (cited by Labcorp Genetics (formerly Invitae), Labcorp); PubMed 16770791 (cited by Labcorp Genetics (formerly Invitae), Labcorp); PubMed 25007885 (cited by Labcorp Genetics (formerly Invitae), Labcorp).